The following is an entry in ClinVar:

NM_005138.3(SCO2):c.713C>T (p.Thr238Met)

Genes: NCAPH2 (non-SMC condensin II complex subunit H2; plus strand), SCO2 (synthesis of cytochrome C oxidase 2; minus strand). Cytogenetic location: 22q13.33.
Variant type: single nucleotide variant.
Coding change: c.713C>T on transcript NM_005138.3 (MANE Select); coding-DNA position 713, C replaced by T.
Protein change: p.Thr238Met; replaces threonine 238 with methionine.
Molecular consequence: missense variant. On other transcripts: 3 prime UTR variant (2).
Genome position (GRCh38, 1-based): chr22:50,523,699, G>A on the plus strand (C>T on the coding strand, the complement: SCO2 is on the minus strand). VCF-style: chr22-50523699-G-A. GRCh37 (hg19) VCF-style: chr22-50962128-G-A.
Other names: c.713C>T, p.Thr238Met (NM_001169111.2, NM_001169109.2, NM_001169110.1); c.*324G>A (NM_001185011.2, NM_152299.4); c.713C>T (NM_005138.2); short protein forms T238M.
Identifiers: ClinVar variation 1362918 (VCV001362918.9), dbSNP rs149439760, ClinGen allele CA10321138.

ClinVar aggregate classification (germline): Uncertain significance. Review status: criteria provided, multiple submitters, no conflicts (2 of 4 stars). 4 submissions from 4 submitters: Uncertain significance (4). Last evaluated 2026-08-19.

Conditions:
Cardioencephalomyopathy, fatal infantile, due to cytochrome c oxidase deficiency 1 (MC4DN2). Also called: MITOCHONDRIAL COMPLEX IV DEFICIENCY, NUCLEAR TYPE 2; CYTOCHROME c OXIDASE DEFICIENCY, FATAL INFANTILE, WITH CARDIOENCEPHALOMYOPATHY. Identifiers: Orphanet 1561, MedGen C5399977, MONDO:0011451, OMIM 604377.
Myopia 6 (MYP6). Identifiers: MedGen C1837148, MONDO:0012154, OMIM 608908.
Inborn genetic diseases. Identifiers: MedGen C0950123, MeSH D030342.

Allele frequency attached by ClinVar (database versions not stated): gnomAD 0.00034 and 0.00039; gnomAD exomes 0.00009; ESP Exome Variant Server 0.00031; TOPMed 0.00043; ExAC 0.00010.

Submissions (4):

GeneDx
Classification: Uncertain significance. Last evaluated: 2026-08-19. Review status: criteria provided, single submitter. Criteria: GeneDx Variant Classification Process June 2021. Collection method: clinical testing. Allele origin: germline.
Comment: In silico analysis suggests that this missense variant does not alter protein structure/function; Has not been previously published as pathogenic or benign to our knowledge

Labcorp Genetics (formerly Invitae), Labcorp
Classification: Uncertain significance. Last evaluated: 2022-08-31. Review status: criteria provided, single submitter. Criteria: Invitae Variant Classification Sherloc (09022015). Collection method: clinical testing. Allele origin: germline.
Comment: This sequence change replaces threonine, which is neutral and polar, with methionine, which is neutral and non-polar, at codon 238 of the SCO2 protein (p.Thr238Met). This variant is present in population databases (rs149439760, gnomAD 0.1%). This variant has not been reported in the literature in individuals affected with SCO2-related conditions. ClinVar contains an entry for this variant (Variation ID: 1362918). Algorithms developed to predict the effect of missense changes on protein structure and function are either unavailable or do not agree on the potential impact of this missense change (SIFT: "Tolerated"; PolyPhen-2: "Probably Damaging"; Align-GVGD: "Class C0"). In summary, the available evidence is currently insufficient to determine the role of this variant in disease. Therefore, it has been classified as a Variant of Uncertain Significance.

Ambry Genetics
Classification: Uncertain significance for Inborn genetic diseases. Last evaluated: 2022-04-13. Review status: criteria provided, single submitter. Criteria: Ambry Variant Classification Scheme 2023. Collection method: clinical testing. Allele origin: germline.

Fulgent Genetics
Classification: Uncertain significance for Cardioencephalomyopathy, fatal infantile, due to cytochrome c oxidase deficiency 1; Myopia 6. Last evaluated: 2021-11-02. Review status: criteria provided, single submitter. Criteria: ACMG Guidelines, 2015. Collection method: clinical testing. Allele origin: unknown.